The following is an entry in ClinVar:

ClinVar aggregate classification (germline): Uncertain significance (1 of 4 stars; one submission).

Conditions:
GLUT1 deficiency syndrome 1, autosomal recessive. Identifiers: MedGen C3149117.

Submission:

Labcorp Genetics (formerly Invitae), Labcorp
Classification: Uncertain significance for GLUT1 deficiency syndrome 1, autosomal recessive. Last evaluated: 2021-10-14. Review status: criteria provided, single submitter. Criteria: Invitae Variant Classification Sherloc (09022015). Collection method: clinical testing. Allele origin: germline.
Comment: This sequence change replaces cysteine with arginine at codon 429 of the SLC2A1 protein (p.Cys429Arg). The cysteine residue is moderately conserved and there is a large physicochemical difference between cysteine and arginine. This variant is not present in population databases (ExAC no frequency). This variant has not been reported in the literature in individuals affected with SLC2A1-related conditions. Advanced modeling of protein sequence and biophysical properties (such as structural, functional, and spatial information, amino acid conservation, physicochemical variation, residue mobility, and thermodynamic stability) performed at Invitae indicates that this missense variant is expected to disrupt SLC2A1 protein function. In summary, the available evidence is currently insufficient to determine the role of this variant in disease. Therefore, it has been classified as a Variant of Uncertain Significance.

NM_006516.4(SLC2A1):c.1285T>C (p.Cys429Arg)

Gene: SLC2A1 (solute carrier family 2 member 1; minus strand). Cytogenetic location: 1p34.2.
Variant type: single nucleotide variant.
Coding change: c.1285T>C on transcript NM_006516.4 (MANE Select); coding-DNA position 1285, T replaced by C.
Protein change: p.Cys429Arg; replaces cysteine 429 with arginine.
Molecular consequence: missense variant.
Genome position (GRCh38, 1-based): chr1:42,927,235, A>G on the plus strand (T>C on the coding strand, the complement: SLC2A1 is on the minus strand). VCF-style: chr1-42927235-A-G. GRCh37 (hg19) VCF-style: chr1-43392906-A-G.
Other names: short protein forms C429R.
Identifiers: ClinVar variation 1464764 (VCV001464764.6), dbSNP rs2124445674, ClinGen allele CA339953570.
Genomic context (GRCh38, chr1:42,927,235, plus strand): 5'-AGGTGAAGATGAAGAACAGAACCAGGAGCACAGTGAAGATGATGAAGACGTAGGGACCAC[A>G]CAGTTGCTGAAAGACACACAGACACACTTGGTTGGAGTCATGACCCTACATCCTGGCTGT-3'
Protein context (NP_006507.2, residues 419-439): GMCFQYVEQL[Cys429Arg]GPYVFIIFTV